The following is an entry in ClinVar:

NM_005051.3(QARS1):c.1284_1285del (p.Asp430fs)

Gene: QARS1 (glutaminyl-tRNA synthetase 1; minus strand). Cytogenetic location: 3p21.31.
Variant type: Deletion.
Coding change: c.1284_1285del on transcript NM_005051.3 (MANE Select); coding-DNA positions 1284 to 1285, 2 bases deleted (AG; older notation c.1284_1285delAG).
Protein change: p.Asp430fs; shifts the reading frame from aspartic acid 430.
Molecular consequence: frameshift variant. On other transcripts: non-coding transcript variant (1).
Genome position (GRCh38, 1-based): chr3:49,099,971-49,099,972, CT deleted on the plus strand (AG on the coding strand, the reverse complement: QARS1 is on the minus strand). VCF-style (leftmost placement, unchanged base first): chr3-49099970-CCT-C. GRCh37 (hg19) VCF-style: chr3-49137403-CCT-C.
Other names: c.1284_1285del (NM_005051.2); c.1284_1285delAG (NM_005051.3); c.1251_1252del, p.Asp419fs (NM_001272073.2); short protein forms D419fs, D430fs.
Identifiers: ClinVar variation 544132 (VCV000544132.13), dbSNP rs775652214, ClinGen allele CA2391825.

ClinVar aggregate classification (germline): Conflicting classifications of pathogenicity. Review status: criteria provided, conflicting classifications (1 of 4 stars). 6 submissions from 6 submitters: Pathogenic (3); Likely pathogenic (2); Uncertain significance (1). Last evaluated 2025-11-05.

Conditions:
Inborn genetic diseases. Identifiers: MedGen C0950123, MeSH D030342.
Diffuse cerebral and cerebellar atrophy - intractable seizures - progressive microcephaly syndrome. Also called: Microcephaly, progressive, with seizures and cerebral and cerebellar atrophy. Identifiers: Orphanet 404437, MedGen C4014239, MONDO:0014335, OMIM 615760.

Allele frequency attached by ClinVar (database versions not stated): gnomAD exomes 0.00002 and 0.00005; TOPMed 0.00002; gnomAD 0.00003; ExAC 0.00004.

Submissions (6):

Labcorp Genetics (formerly Invitae), Labcorp
Classification: Pathogenic for Diffuse cerebral and cerebellar atrophy - intractable seizures - progressive microcephaly syndrome. Last evaluated: 2025-11-05. Review status: criteria provided, single submitter. Criteria: Invitae Variant Classification Sherloc (09022015). Collection method: clinical testing. Allele origin: germline.
Comment: This sequence change creates a premature translational stop signal (p.Asp430Glnfs*16) in the QARS gene. It is expected to result in an absent or disrupted protein product. Loss-of-function variants in QARS are known to be pathogenic (PMID: 24656866, 25471517). This variant is present in population databases (rs775652214, gnomAD 0.04%). This variant has not been reported in the literature in individuals affected with QARS-related conditions. ClinVar contains an entry for this variant (Variation ID: 544132). For these reasons, this variant has been classified as Pathogenic.

GeneDx
Classification: Uncertain significance. Last evaluated: 2025-01-02. Review status: criteria provided, single submitter. Criteria: GeneDx Variant Classification Process June 2021. Collection method: clinical testing. Allele origin: germline. Affected: yes.
Comment: Frameshift variant predicted to result in protein truncation or nonsense mediated decay in a gene for which loss-of-function is a known mechanism of disease; Reported as a single heterozygous variant in two probands with epilepsy; a second variant in this gene was not identified (PMID: 31440721); This variant is associated with the following publications: (PMID: 33256324, 31440721)

Women's Health and Genetics/Laboratory Corporation of America, LabCorp
Classification: Pathogenic for Diffuse cerebral and cerebellar atrophy - intractable seizures - progressive microcephaly syndrome. Last evaluated: 2024-09-04. Review status: criteria provided, single submitter. Criteria: LabCorp Variant Classification Summary - May 2015. Collection method: clinical testing. Allele origin: germline.
Comment: Variant summary: QARS1 c.1284_1285delAG (p.Asp430GlnfsX16) results in a premature termination codon, predicted to cause a truncation of the encoded protein or absence of the protein due to nonsense mediated decay, which are commonly known mechanisms for disease. The variant allele was found at a frequency of 1.9e-05 in 1614088 control chromosomes. This frequency is not significantly higher than estimated for a pathogenic variant in QARS1 causing Diffuse Cerebral And Cerebellar Atrophy-Intractable Seizures-Progressive Microcephaly Syndrome, allowing no conclusion about variant significance. c.1284_1285delAG has been reported in the literature in at-least one individual affected with Glutaminyl-tRNA synthetase deficiency (example: Shen_2020). The following publication has been ascertained in the context of this evaluation (PMID: 33256324). ClinVar contains an entry for this variant (Variation ID: 544132). Based on the evidence outlined above, the variant was classified as pathogenic.

Baylor Genetics
Classification: Likely pathogenic for Diffuse cerebral and cerebellar atrophy - intractable seizures - progressive microcephaly syndrome. Last evaluated: 2023-01-03. Review status: criteria provided, single submitter. Criteria: ACMG Guidelines, 2015. Collection method: clinical testing. Allele origin: unknown.

Ambry Genetics
Classification: Pathogenic for Inborn genetic diseases. Last evaluated: 2021-09-05. Review status: criteria provided, single submitter. Criteria: Ambry Variant Classification Scheme 2023. Collection method: clinical testing. Allele origin: germline.
Comment: The c.1284_1285delAG (p.D430Qfs*16) alteration, located in exon 14 (coding exon 14) of the QARS gene, consists of a deletion of 2 nucleotides from position 1284 to 1285, causing a translational frameshift with a predicted alternate stop codon after 16 amino acids. This alteration is expected to result in loss of function by premature protein truncation or nonsense-mediated mRNA decay. Based on the available evidence, this alteration is classified as pathogenic.

Juno Genomics, Hangzhou Juno Genomics, Inc
Classification: Likely pathogenic for Diffuse cerebral and cerebellar atrophy - intractable seizures - progressive microcephaly syndrome. Review status: criteria provided, single submitter. Criteria: ACMG Guidelines, 2015. Collection method: clinical testing. Allele origin: germline.
Comment: Null variant in a gene where loss of function (LOF) is a known mechanism of disease.;Absent from controls (or at extremely low frequency if recessive) in Genome Aggregation Database.

Literature cited by the submitters: PubMed 24656866 (cited by Labcorp Genetics (formerly Invitae), Labcorp); PubMed 25471517 (cited by Labcorp Genetics (formerly Invitae), Labcorp); PubMed 33256324 (cited by Women's Health and Genetics/Laboratory Corporation of America, LabCorp).